The following is an entry in ClinVar:

ClinVar aggregate classification (germline): Uncertain significance (1 of 4 stars; one submission).

Conditions:
Pontocerebellar hypoplasia type 3 (PCH3). Also called: PCH WITH OPTIC ATROPHY; CEREBELLAR ATROPHY WITH PROGRESSIVE MICROCEPHALY. Identifiers: Orphanet 97249, MedGen C1842687, MONDO:0011948, OMIM 608027.

Submission:

Baylor Genetics
Classification: Uncertain significance for Pontocerebellar hypoplasia type 3. Last evaluated: 2020-05-05. Review status: criteria provided, single submitter. Criteria: ACMG Guidelines, 2015. Collection method: clinical testing. Allele origin: unknown. Affected: yes.
Comment: This variant was determined to be of uncertain significance according to ACMG Guidelines, 2015 [PMID:25741868].

NM_033026.6(PCLO):c.11578C>T (p.Pro3860Ser)

Gene: PCLO (piccolo presynaptic cytomatrix protein; minus strand). Cytogenetic location: 7q21.11.
Variant type: single nucleotide variant.
Coding change: c.11578C>T on transcript NM_033026.6 (MANE Select); coding-DNA position 11578, C replaced by T.
Protein change: p.Pro3860Ser; replaces proline 3860 with serine.
Molecular consequence: missense variant.
Genome position (GRCh38, 1-based): chr7:82,916,408, G>A on the plus strand (C>T on the coding strand, the complement: PCLO is on the minus strand). VCF-style: chr7-82916408-G-A. GRCh37 (hg19) VCF-style: chr7-82545724-G-A.
Other names: c.11578C>T, p.Pro3860Ser (NM_014510.3); short protein forms P3860S.
Identifiers: ClinVar variation 1028489 (VCV001028489.1), dbSNP rs1794464164, ClinGen allele CA367893494.